The following is an entry in ClinVar:

ClinVar aggregate classification (germline): Uncertain significance (1 of 4 stars; one submission).

Conditions:
Gamma-aminobutyric acid transaminase deficiency (GABATD). Also called: GABA aminotransaminase deficiency; GABA transaminase deficiency; Gamma aminobutyrate transaminase deficiency; 4 alpha aminobutyrate transaminase deficiency. Identifiers: Orphanet 2066, MedGen C0342708, MONDO:0013166, OMIM 613163.

Allele frequency attached by ClinVar (database versions not stated): TOPMed below 0.00001.

Submission:

Labcorp Genetics (formerly Invitae), Labcorp
Classification: Uncertain significance for Gamma-aminobutyric acid transaminase deficiency. Last evaluated: 2021-05-19. Review status: criteria provided, single submitter. Criteria: Invitae Variant Classification Sherloc (09022015). Collection method: clinical testing. Allele origin: germline.
Comment: In summary, the available evidence is currently insufficient to determine the role of this variant in disease. Therefore, it has been classified as a Variant of Uncertain Significance. Algorithms developed to predict the effect of missense changes on protein structure and function (SIFT, PolyPhen-2, Align-GVGD) all suggest that this variant is likely to be tolerated, but these predictions have not been confirmed by published functional studies and their clinical significance is uncertain. This variant has not been reported in the literature in individuals with ABAT-related conditions. This variant is not present in population databases (ExAC no frequency). This sequence change replaces proline with serine at codon 445 of the ABAT protein (p.Pro445Ser). The proline residue is moderately conserved and there is a moderate physicochemical difference between proline and serine.

NM_020686.6(ABAT):c.1333C>T (p.Pro445Ser)

Gene: ABAT (4-aminobutyrate aminotransferase; plus strand). Cytogenetic location: 16p13.2.
Variant type: single nucleotide variant.
Coding change: c.1333C>T on transcript NM_020686.6 (MANE Select); coding-DNA position 1333, C replaced by T.
Protein change: p.Pro445Ser; replaces proline 445 with serine.
Molecular consequence: missense variant. On other transcripts: intron variant (1).
Genome position (GRCh38, 1-based): chr16:8,779,542, C>T. VCF-style: chr16-8779542-C-T. GRCh37 (hg19) VCF-style: chr16-8873399-C-T.
Other names: c.1333C>T, p.Pro445Ser (NM_000663.5, NM_001127448.2, NM_001386600.1 and 5 more transcripts); c.1294C>T, p.Pro432Ser (NM_001386605.1); c.1270C>T, p.Pro424Ser (NM_001386606.1, NM_001386607.1); c.1240C>T, p.Pro414Ser (NM_001386608.1); c.1198C>T, p.Pro400Ser (NM_001386610.1, NM_001386611.1); c.1135C>T, p.Pro379Ser (NM_001386612.1, NM_001386613.1); c.1087C>T, p.Pro363Ser (NM_001386614.1); c.1429C>T, p.Pro477Ser (NM_001386615.1); and 1 more; short protein forms P424S, P445S, P477S, P363S, P379S, P400S, P414S, P432S.
Identifiers: ClinVar variation 1374159 (VCV001374159.8), dbSNP rs1345863425, ClinGen allele CA394690584.